The following is an entry in ClinVar:

ClinVar aggregate classification (germline): Uncertain significance (1 of 4 stars; one submission).

Submission:

Labcorp Genetics (formerly Invitae), Labcorp
Classification: Uncertain significance. Last evaluated: 2024-07-11. Review status: criteria provided, single submitter. Criteria: Invitae Variant Classification Sherloc (09022015). Collection method: clinical testing. Allele origin: germline.
Comment: This sequence change replaces aspartic acid, which is acidic and polar, with glycine, which is neutral and non-polar, at codon 1183 of the CNOT1 protein (p.Asp1183Gly). This variant is not present in population databases (gnomAD no frequency). This missense change has been observed in individual(s) with neurodevelopmental disorder (PMID: 32553196). In at least one individual the variant was observed to be de novo. This variant is also known as c.3563A>G (p.Asp1188Gly). An algorithm developed to predict the effect of missense changes on protein structure and function (PolyPhen-2) suggests that this variant is likely to be tolerated. In summary, the available evidence is currently insufficient to determine the role of this variant in disease. Therefore, it has been classified as a Variant of Uncertain Significance.

Literature cited by the submitters: PubMed 32553196.

NM_016284.5(CNOT1):c.3563A>G (p.Asp1188Gly)

Gene: CNOT1 (CCR4-NOT transcription complex subunit 1; minus strand). Cytogenetic location: 16q21.
Variant type: single nucleotide variant.
Coding change: c.3563A>G on transcript NM_016284.5 (MANE Select); coding-DNA position 3563, A replaced by G.
Protein change: p.Asp1188Gly; replaces aspartic acid 1188 with glycine.
Molecular consequence: missense variant. On other transcripts: non-coding transcript variant (1).
Genome position (GRCh38, 1-based): chr16:58,547,642, T>C on the plus strand (A>G on the coding strand, the complement: CNOT1 is on the minus strand). VCF-style: chr16-58547642-T-C. GRCh37 (hg19) VCF-style: chr16-58581546-T-C.
Other names: c.3548A>G, p.Asp1183Gly (NM_001265612.2); c.3563A>G, p.Asp1188Gly (NM_206999.3); short protein forms D1183G, D1188G.
Identifiers: ClinVar variation 3613697 (VCV003613697.2).